The following is an entry in ClinVar:

NM_005732.4(RAD50):c.954A>C (p.Lys318Asn)

Gene: RAD50 (RAD50 double strand break repair protein; plus strand). Cytogenetic location: 5q31.1.
Variant type: single nucleotide variant.
Coding change: c.954A>C on transcript NM_005732.4 (MANE Select); coding-DNA position 954, A replaced by C.
Protein change: p.Lys318Asn; replaces lysine 318 with asparagine.
Molecular consequence: missense variant.
Genome position (GRCh38, 1-based): chr5:132,587,992, A>C. VCF-style: chr5-132587992-A-C. GRCh37 (hg19) VCF-style: chr5-131923684-A-C.
Other names: short protein forms K318N.
Identifiers: ClinVar variation 1904718 (VCV001904718.5), dbSNP rs2479632592, ClinGen allele CA360941078.

ClinVar aggregate classification (germline): Uncertain significance (1 of 4 stars; one submission).

Conditions:
Hereditary cancer-predisposing syndrome. Also called: Tumor predisposition; Neoplastic Syndromes, Hereditary; Hereditary Cancer Syndrome; Hereditary neoplastic syndrome. Identifiers: Orphanet 140162, MedGen C0027672, MeSH D009386, MONDO:0015356.

Submission:

Labcorp Genetics (formerly Invitae), Labcorp
Classification: Uncertain significance for Hereditary cancer-predisposing syndrome. Last evaluated: 2022-03-18. Review status: criteria provided, single submitter. Criteria: Invitae Variant Classification Sherloc (09022015). Collection method: clinical testing. Allele origin: germline.
Comment: This sequence change replaces lysine, which is basic and polar, with asparagine, which is neutral and polar, at codon 318 of the RAD50 protein (p.Lys318Asn). This variant is not present in population databases (gnomAD no frequency). This variant has not been reported in the literature in individuals affected with RAD50-related conditions. Algorithms developed to predict the effect of missense changes on protein structure and function are either unavailable or do not agree on the potential impact of this missense change (SIFT: "Tolerated"; PolyPhen-2: "Probably Damaging"; Align-GVGD: "Class C15"). In summary, the available evidence is currently insufficient to determine the role of this variant in disease. Therefore, it has been classified as a Variant of Uncertain Significance.